The following is an entry in ClinVar:

ClinVar aggregate classification (germline): Uncertain significance. Review status: criteria provided, single submitter (1 of 4 stars). 2 submissions from 2 submitters: Uncertain significance (1). 1 of the submissions does not count toward it. Last evaluated 2024-01-20.

Conditions:
Chronic granulomatous disease. Identifiers: Orphanet 379, MedGen C0018203, MONDO:0018305.
Granulomatous disease, chronic, autosomal recessive, cytochrome b-negative. Also called: CGD DUE TO DEFICIENCY OF THE ALPHA SUBUNIT OF CYTOCHROME b; CGD, AUTOSOMAL RECESSIVE CYTOCHROME b-NEGATIVE; CYBA DEFICIENCY; GRANULOMATOUS DISEASE, CHRONIC, AUTOSOMAL RECESSIVE, 4; Chronic granulomatous disease, autosomal, due to deficiency of CYBA. Identifiers: Orphanet 379, MedGen C1856255, MONDO:0009308, OMIM 233690.

Allele frequency attached by ClinVar (database versions not stated): gnomAD exomes 0.00001; ExAC 0.00002; TOPMed 0.00003; gnomAD 0.00004; 1000 Genomes Project 0.00040; 1000 Genomes Project 30x 0.00047.

Submissions (2):

Labcorp Genetics (formerly Invitae), Labcorp
Classification: Uncertain significance for Granulomatous disease, chronic, autosomal recessive, cytochrome b-negative. Last evaluated: 2024-01-20. Review status: criteria provided, single submitter. Criteria: Invitae Variant Classification Sherloc (09022015). Collection method: clinical testing. Allele origin: germline.
Comment: This sequence change replaces valine, which is neutral and non-polar, with isoleucine, which is neutral and non-polar, at codon 92 of the CYBA protein (p.Val92Ile). This variant is present in population databases (rs202179890, gnomAD 0.01%). This missense change has been observed in individual(s) with meningoencephalitis (PMID: 35960392). ClinVar contains an entry for this variant (Variation ID: 466301). Algorithms developed to predict the effect of missense changes on protein structure and function output the following: SIFT: "Not Available"; PolyPhen-2: "Benign"; Align-GVGD: "Not Available". The isoleucine amino acid residue is found in multiple mammalian species, which suggests that this missense change does not adversely affect protein function. In summary, the available evidence is currently insufficient to determine the role of this variant in disease. Therefore, it has been classified as a Variant of Uncertain Significance.

Natera, Inc.
Classification: Uncertain significance for Chronic granulomatous disease. Last evaluated: 2019-10-28. Review status: no assertion criteria provided. Collection method: clinical testing. Allele origin: germline. Not counted in ClinVar's aggregate classification.

Literature cited by the submitters: PubMed 35960392 (cited by Labcorp Genetics (formerly Invitae), Labcorp).

NM_000101.4(CYBA):c.274G>A (p.Val92Ile)

Gene: CYBA (cytochrome b-245 alpha chain; minus strand). Cytogenetic location: 16q24.2.
Variant type: single nucleotide variant.
Coding change: c.274G>A on transcript NM_000101.4 (MANE Select); coding-DNA position 274, G replaced by A.
Protein change: p.Val92Ile; replaces valine 92 with isoleucine.
Molecular consequence: missense variant.
Genome position (GRCh38, 1-based): chr16:88,646,768, C>T on the plus strand (G>A on the coding strand, the complement: CYBA is on the minus strand). VCF-style: chr16-88646768-C-T. GRCh37 (hg19) VCF-style: chr16-88713176-C-T.
Other names: short protein forms V92I.
Identifiers: ClinVar variation 466301 (VCV000466301.4), dbSNP rs202179890, ClinGen allele CA8228332.